The following is an entry in ClinVar:

ClinVar aggregate classification (germline): Benign/Likely benign. Review status: criteria provided, multiple submitters, no conflicts (2 of 4 stars). 6 submissions from 6 submitters: Benign (2); Likely benign (3). 1 of the submissions does not count toward it. Last evaluated 2026-02-01.

Conditions:
ZNF469-related disorder. Also called: ZNF469-related condition.
Cardiovascular phenotype. Identifiers: MedGen CN230736.
Brittle cornea syndrome 1 (BCS1). Also called: CORNEAL FRAGILITY, KERATOGLOBUS, BLUE SCLERAE, JOINT HYPEREXTENSIBILITY; EDS6B; FRAGILITAS OCULI WITH JOINT HYPEREXTENSIBILITY; Corneal fragility keratoglobus, blue sclerae AND joint hypermobility; DYSGENESIS MESODERMALIS CORNEAE ET SCLERAE. Identifiers: Orphanet 90354, MedGen C0268344, MONDO:0024543, OMIM 229200.

Allele frequency attached by ClinVar (database versions not stated): gnomAD 0.00007 and 0.00008; TOPMed 0.00020; gnomAD exomes 0.00022 and 0.00074; 1000 Genomes Project 30x 0.00031.
gnomAD v4.1: 135 of 1,549,988 alleles (0.0087%); highest among the groups gnomAD compares: Admixed American, 0.26%; 1 homozygote.

Submissions (6):

Labcorp Genetics (formerly Invitae), Labcorp
Classification: Benign. Last evaluated: 2026-02-01. Review status: criteria provided, single submitter. Criteria: Invitae Variant Classification Sherloc (09022015). Collection method: clinical testing. Allele origin: germline.

Women's Health and Genetics/Laboratory Corporation of America, LabCorp
Classification: Likely benign. Last evaluated: 2024-12-30. Review status: criteria provided, single submitter. Criteria: LabCorp Variant Classification Summary - May 2015. Collection method: clinical testing. Allele origin: germline.

Genome-Nilou Lab
Classification: Benign for Brittle cornea syndrome 1. Last evaluated: 2021-12-05. Review status: criteria provided, single submitter. Criteria: ACMG Guidelines, 2015. Collection method: clinical testing. Allele origin: germline. Affected: no.

GeneDx
Classification: Likely benign. Last evaluated: 2021-06-22. Review status: criteria provided, single submitter. Criteria: GeneDx Variant Classification Process June 2021. Collection method: clinical testing. Allele origin: germline. Affected: yes.

Ambry Genetics
Classification: Likely benign for Cardiovascular phenotype. Last evaluated: 2019-11-21. Review status: criteria provided, single submitter. Criteria: Ambry Variant Classification Scheme 2023. Collection method: clinical testing. Allele origin: germline.

PreventionGenetics, part of Exact Sciences
Classification: Likely benign for ZNF469-related condition. Last evaluated: 2019-02-28. Review status: no assertion criteria provided. Collection method: clinical testing. Allele origin: germline. Not counted in ClinVar's aggregate classification.
Comment: This variant is classified as likely benign based on ACMG/AMP sequence variant interpretation guidelines (Richards et al. 2015 PMID: 25741868, with internal and published modifications).

NM_001367624.2(ZNF469):c.11244C>T (p.Ser3748=)

Gene: ZNF469 (zinc finger protein 469; plus strand). Cytogenetic location: 16q24.2.
Variant type: single nucleotide variant.
Coding change: c.11244C>T on transcript NM_001367624.2 (MANE Select); coding-DNA position 11244, C replaced by T.
Protein change: p.Ser3748=; no amino-acid change (serine 3748 retained).
Molecular consequence: synonymous variant.
Genome position (GRCh38, 1-based): chr16:88,438,714, C>T. VCF-style: chr16-88438714-C-T. GRCh37 (hg19) VCF-style: chr16-88505122-C-T.
Other names: NM_001127464.1:c.11160C>T; NM_001127464.2:c.11160C>T.
Identifiers: ClinVar variation 506516 (VCV000506516.16), dbSNP rs936296523, ClinGen allele CA286387756.